The following is an entry in ClinVar:

NM_004628.5(XPC):c.1131C>T (p.Cys377=)

Gene: XPC (XPC complex subunit, DNA damage recognition and repair factor; minus strand). Cytogenetic location: 3p25.1.
Variant type: single nucleotide variant.
Coding change: c.1131C>T on transcript NM_004628.5 (MANE Select); coding-DNA position 1131, C replaced by T.
Protein change: p.Cys377=; no amino-acid change (cysteine 377 retained).
Molecular consequence: synonymous variant. On other transcripts: non-coding transcript variant (2).
Genome position (GRCh38, 1-based): chr3:14,158,752, G>A on the plus strand (C>T on the coding strand, the complement: XPC is on the minus strand). VCF-style: chr3-14158752-G-A. GRCh37 (hg19) VCF-style: chr3-14200252-G-A.
Other names: c.552C>T, p.Cys184= (NM_001354726.2); c.1131C>T, p.Cys377= (NM_001354727.2, NM_001354730.2); c.1113C>T, p.Cys371= (NM_001354729.2).
Identifiers: ClinVar variation 343575 (VCV000343575.37), dbSNP rs187340581, ClinGen allele CA2267503.

ClinVar aggregate classification (germline): Conflicting classifications of pathogenicity. Review status: criteria provided, conflicting classifications (1 of 4 stars). 3 submissions from 3 submitters: Uncertain significance (1); Likely benign (2). Last evaluated 2024-02-06.

Conditions:
Xeroderma pigmentosum, group C (XPC). Also called: XERODERMA PIGMENTOSUM III; XP, GROUP C; XPC-Related Xeroderma Pigmentosum; Xeroderma pigmentosum, complementation group C. Identifiers: Orphanet 910, MedGen C2752147, MONDO:0010211, OMIM 278720.

Allele frequency attached by ClinVar (database versions not stated): ExAC 0.00001; gnomAD 0.00002 and 0.00003; gnomAD exomes 0.00002 and 0.00004; TOPMed 0.00004; 1000 Genomes Project 30x 0.00016; 1000 Genomes Project 0.00020.
gnomAD v4.1: 62 of 1,613,900 alleles (0.0038%); highest among the groups gnomAD compares: Non-Finnish European, 0.0051%; no homozygotes.

Submissions (3):

Labcorp Genetics (formerly Invitae), Labcorp
Classification: Likely benign. Last evaluated: 2024-02-06. Review status: criteria provided, single submitter. Criteria: Invitae Variant Classification Sherloc (09022015). Collection method: clinical testing. Allele origin: germline.

CeGaT Center for Human Genetics Tuebingen
Classification: Likely benign. Last evaluated: 2023-09-01. Review status: criteria provided, single submitter. Criteria: CeGaT Center For Human Genetics Tuebingen Variant Classification Criteria Version 2. Collection method: clinical testing. Allele origin: germline. Affected: yes. Observed: 1 variant allele.
Comment: XPC: BP4, BP7

Illumina Laboratory Services, Illumina
Classification: Uncertain significance for Xeroderma pigmentosum, group C. Last evaluated: 2018-01-13. Review status: criteria provided, single submitter. Criteria: ICSL Variant Classification Criteria 13 December 2019. Collection method: clinical testing. Allele origin: germline.